The following is an entry in ClinVar:

ClinVar aggregate classification (germline): Likely benign. Review status: criteria provided, multiple submitters, no conflicts (2 of 4 stars). 2 submissions from 2 submitters: Likely benign (2). Last evaluated 2025-11-01.

Allele frequency attached by ClinVar (database versions not stated): gnomAD exomes below 0.00001 and 0.00001; ExAC 0.00001; gnomAD 0.00001 and 0.00003; TOPMed 0.00001.
gnomAD v4.1: 7 of 1,613,946 alleles (0.00043%); highest among the groups gnomAD compares: Admixed American, 0.0067%; no homozygotes.

Submissions (2):

CeGaT Center for Human Genetics Tuebingen
Classification: Likely benign. Last evaluated: 2025-11-01. Review status: criteria provided, single submitter. Criteria: CeGaT Center For Human Genetics Tuebingen Variant Classification Criteria Version 2. Collection method: clinical testing. Allele origin: germline. Affected: yes. Observed: 1 variant allele.
Comment: SLC36A2: BP4, BP7

Labcorp Genetics (formerly Invitae), Labcorp
Classification: Likely benign. Last evaluated: 2025-02-04. Review status: criteria provided, single submitter. Criteria: Invitae Variant Classification Sherloc (09022015). Collection method: clinical testing. Allele origin: germline.

NM_181776.3(SLC36A2):c.1266C>T (p.Ile422=)

Gene: SLC36A2 (solute carrier family 36 member 2; minus strand). Cytogenetic location: 5q33.1.
Variant type: single nucleotide variant.
Coding change: c.1266C>T on transcript NM_181776.3 (MANE Select); coding-DNA position 1266, C replaced by T.
Protein change: p.Ile422=; no amino-acid change (isoleucine 422 retained).
Molecular consequence: synonymous variant.
Genome position (GRCh38, 1-based): chr5:151,317,003, G>A on the plus strand (C>T on the coding strand, the complement: SLC36A2 is on the minus strand). VCF-style: chr5-151317003-G-A. GRCh37 (hg19) VCF-style: chr5-150696564-G-A.
Identifiers: ClinVar variation 797437 (VCV000797437.10), dbSNP rs768372175, ClinGen allele CA3518575.
Genomic context (GRCh38, chr5:151,317,003, plus strand): 5'-GAAGATGGTGAGGGGGCTCATGCCCTCTGAGTAGAACGTGGTGACCTCCAGGAGCGGTGG[G>A]ATGATGAGGGCCAGGGCGGTGCCACTCACGGAGCCCACCAGGGAGATGACCAGGTCCAGG-3'
Protein context (NP_861441.2, residues 412-432): SVSGTALALI[Ile422=]PPLLEVTTFY